The following is an entry in ClinVar:

ClinVar aggregate classification (germline): Uncertain significance (1 of 4 stars; one submission).

Submission:

Labcorp Genetics (formerly Invitae), Labcorp
Classification: Uncertain significance. Last evaluated: 2020-06-22. Review status: criteria provided, single submitter. Criteria: Invitae Variant Classification Sherloc (09022015). Collection method: clinical testing. Allele origin: germline.
Comment: In summary, the available evidence is currently insufficient to determine the role of this variant in disease. Therefore, it has been classified as a Variant of Uncertain Significance. Experimental studies and prediction algorithms are not available or were not evaluated, and the functional significance of this variant is currently unknown. This variant has not been reported in the literature in individuals with RUNX2-related conditions. This variant is not present in population databases (ExAC no frequency). This variant, c.195_209dup, results in the insertion of 5 amino acid(s) to the RUNX2 protein (p.Gln67_Gln71dup), but otherwise preserves the integrity of the reading frame.

NM_001024630.4(RUNX2):c.195_209dup (p.Gln67_Gln71dup)

Genes: RUNX2 (RUNX family transcription factor 2; plus strand), LOC109611589 (runt related transcription factor 2 polyalanine expansion region; plus strand). Cytogenetic location: 6p21.1.
Variant type: Duplication.
Coding change: c.195_209dup on transcript NM_001024630.4 (MANE Select); coding-DNA positions 195 to 209, 15 bases duplicated (ACAGCAGCAGCAGCA).
Protein change: p.Gln67_Gln71dup.
Molecular consequence: inframe insertion.
Genome position (GRCh38, 1-based): chr6:45,422,729-45,422,743, ACAGCAGCAGCAGCA duplicated; duplicating any 15 consecutive bases within chr6:45,422,715-45,422,743 gives the same sequence; the c. name uses the placement nearest the transcript's 3' end. VCF-style (leftmost placement, unchanged base first): chr6-45422714-G-GCAGCAGCAGCAGCAA. GRCh37 (hg19) VCF-style: chr6-45390451-G-GCAGCAGCAGCAGCAA.
Other names: c.195_209dup, p.Gln67_Gln71dup (NM_001015051.4); c.153_167dup, p.Gln53_Gln57dup (NM_001278478.2, NM_001369405.1).
Identifiers: ClinVar variation 1056240 (VCV001056240.9), dbSNP rs1798241097, ClinGen allele CA2499218316.
Genomic context (GRCh38, chr6:45,422,714, plus strand): 5'-CGACGTGAGCCCGGTGGTGGCTGCGCAACAGCAGCAGCAACAGCAGCAGCAGCAACAGCA[G>GCAGCAGCAGCAGCAA]CAGCAGCAGCAGCAACAGCAGCAGCAGCAGCAGGAGGCGGCGGCGGCGGCTGCGGCGGCG-3'